The following is an entry in ClinVar:

ClinVar aggregate classification (germline): Uncertain significance (1 of 4 stars; one submission).

Conditions:
Developmental and epileptic encephalopathy, 32 (DEE32). Also called: Epileptic encephalopathy, early infantile, 32. Identifiers: Orphanet 442835, MedGen C4225350, MONDO:0014607, OMIM 616366.

Submission:

Labcorp Genetics (formerly Invitae), Labcorp
Classification: Uncertain significance for Developmental and epileptic encephalopathy, 32. Last evaluated: 2024-09-17. Review status: criteria provided, single submitter. Criteria: Invitae Variant Classification Sherloc (09022015). Collection method: clinical testing. Allele origin: germline.
Comment: This sequence change replaces alanine, which is neutral and non-polar, with valine, which is neutral and non-polar, at codon 349 of the KCNA2 protein (p.Ala349Val). This variant is not present in population databases (gnomAD no frequency). This variant has not been reported in the literature in individuals affected with KCNA2-related conditions. Invitae Evidence Modeling of protein sequence and biophysical properties (such as structural, functional, and spatial information, amino acid conservation, physicochemical variation, residue mobility, and thermodynamic stability) indicates that this missense variant is not expected to disrupt KCNA2 protein function with a negative predictive value of 80%. In summary, the available evidence is currently insufficient to determine the role of this variant in disease. Therefore, it has been classified as a Variant of Uncertain Significance.

NM_004974.4(KCNA2):c.1046C>T (p.Ala349Val)

Gene: KCNA2 (potassium voltage-gated channel subfamily A member 2; minus strand). Cytogenetic location: 1p13.3.
Variant type: single nucleotide variant.
Coding change: c.1046C>T on transcript NM_004974.4 (MANE Select); coding-DNA position 1046, C replaced by T.
Protein change: p.Ala349Val; replaces alanine 349 with valine.
Molecular consequence: missense variant. On other transcripts: intron variant (1).
Genome position (GRCh38, 1-based): chr1:110,603,737, G>A on the plus strand (C>T on the coding strand, the complement: KCNA2 is on the minus strand). VCF-style: chr1-110603737-G-A. GRCh37 (hg19) VCF-style: chr1-111146359-G-A.
Other names: c.894+152C>T (NM_001204269.2); short protein forms A349V.
Identifiers: ClinVar variation 3717677 (VCV003717677.2).